The following is an entry in ClinVar:

ClinVar aggregate classification (germline): Conflicting classifications of pathogenicity. Review status: criteria provided, conflicting classifications (1 of 4 stars). 5 submissions from 5 submitters: Uncertain significance (1); Benign (2); Likely benign (1). 1 of the submissions does not count toward it. Last evaluated 2024-06-13.

Conditions:
Inborn genetic diseases. Identifiers: MedGen C0950123, MeSH D030342.
CFAP44-related disorder. Also called: CFAP44-related condition.

Allele frequency attached by ClinVar (database versions not stated): gnomAD 0.00203 and 0.00217; TOPMed 0.00238; 1000 Genomes Project 0.00240; ESP Exome Variant Server 0.00246; 1000 Genomes Project 30x 0.00265; gnomAD exomes 0.00019 and 0.00050; ExAC 0.00059.
gnomAD v4.1: 590 of 1,600,986 alleles (0.037%); highest among the groups gnomAD compares: African/African-American, 0.68%; 3 homozygotes.

Submissions (5):

Ambry Genetics
Classification: Uncertain significance for Inborn genetic diseases. Last evaluated: 2024-06-13. Review status: criteria provided, single submitter. Criteria: Ambry Variant Classification Scheme 2023. Collection method: clinical testing. Allele origin: germline.

CeGaT Center for Human Genetics Tuebingen
Classification: Likely benign. Last evaluated: 2023-04-01. Review status: criteria provided, single submitter. Criteria: CeGaT Center For Human Genetics Tuebingen Variant Classification Criteria Version 2. Collection method: clinical testing. Allele origin: germline. Affected: yes. Observed: 1 variant allele.
Comment: CFAP44: BS2

Labcorp Genetics (formerly Invitae), Labcorp
Classification: Benign. Last evaluated: 2019-12-31. Review status: criteria provided, single submitter. Criteria: Invitae Variant Classification Sherloc (09022015). Collection method: clinical testing. Allele origin: germline.

Breakthrough Genomics
Classification: Benign. Review status: criteria provided, single submitter. Criteria: ACMG Guidelines, 2015. Collection method: not provided. Allele origin: germline. Inheritance: Autosomal recessive inheritance. Affected: yes.

PreventionGenetics, part of Exact Sciences
Classification: Likely benign for CFAP44-related condition. Last evaluated: 2019-09-12. Review status: no assertion criteria provided. Collection method: clinical testing. Allele origin: germline. Not counted in ClinVar's aggregate classification.
Comment: This variant is classified as likely benign based on ACMG/AMP sequence variant interpretation guidelines (Richards et al. 2015 PMID: 25741868, with internal and published modifications).

NM_001164496.2(CFAP44):c.2337C>A (p.Phe779Leu)

Genes: SPICE1-CFAP44 (SPICE1-CFAP44 readthrough (NMD candidate); minus strand), CFAP44 (cilia and flagella associated protein 44; minus strand). Cytogenetic location: 3q13.2.
Variant type: single nucleotide variant.
Coding change: c.2337C>A on transcript NM_001164496.2 (MANE Select); coding-DNA position 2337, C replaced by A.
Protein change: p.Phe779Leu; replaces phenylalanine 779 with leucine.
Molecular consequence: missense variant.
Genome position (GRCh38, 1-based): chr3:113,373,518, G>T on the plus strand (C>A on the coding strand, the complement: CFAP44 is on the minus strand). VCF-style: chr3-113373518-G-T. GRCh37 (hg19) VCF-style: chr3-113092365-G-T.
Other names: c.2337C>A, p.Phe779Leu (NM_018338.3); short protein forms F779L.
Identifiers: ClinVar variation 711370 (VCV000711370.31), dbSNP rs150695313, ClinGen allele CA2543920.
Genomic context (GRCh38, chr3:113,373,518, plus strand): 5'-ACGGACATCAATAGGTTCATCTTTTTGTTCTTTGAAATCACTGCTTTCATCACAAGGGGG[G>T]AACTCACAGTGATATAGAAAACCAGAATCATAGCCACCCTAGAAAAGAGATAAGTAACAT-3'
Protein context (NP_001157968.1, residues 769-789): YDSGFLYHCE[Phe779Leu]PPCDESSDFK